The following is an entry in ClinVar:

NM_032802.4(SPPL2A):c.1352C>G (p.Thr451Arg)

Gene: SPPL2A (signal peptide peptidase like 2A; minus strand). Cytogenetic location: 15q21.2.
Variant type: single nucleotide variant.
Coding change: c.1352C>G on transcript NM_032802.4 (MANE Select); coding-DNA position 1352, C replaced by G.
Protein change: p.Thr451Arg; replaces threonine 451 with arginine.
Molecular consequence: missense variant.
Genome position (GRCh38, 1-based): chr15:50,720,076, G>C on the plus strand (C>G on the coding strand, the complement: SPPL2A is on the minus strand). VCF-style: chr15-50720076-G-C. GRCh37 (hg19) VCF-style: chr15-51012273-G-C.
Other names: short protein forms T451R.
Identifiers: ClinVar variation 2768090 (VCV002768090.3), dbSNP rs746888742, ClinGen allele CA392407529.

ClinVar aggregate classification (germline): Uncertain significance (1 of 4 stars; one submission).

Allele frequency attached by ClinVar (database versions not stated): TOPMed below 0.00001.

Submission:

Labcorp Genetics (formerly Invitae), Labcorp
Classification: Uncertain significance. Last evaluated: 2023-10-23. Review status: criteria provided, single submitter. Criteria: Invitae Variant Classification Sherloc (09022015). Collection method: clinical testing. Allele origin: germline.
Comment: This sequence change replaces threonine, which is neutral and polar, with arginine, which is basic and polar, at codon 451 of the SPPL2A protein (p.Thr451Arg). This variant is not present in population databases (gnomAD no frequency). This variant has not been reported in the literature in individuals affected with SPPL2A-related conditions. An algorithm developed to predict the effect of missense changes on protein structure and function (PolyPhen-2) suggests that this variant is likely to be disruptive. In summary, the available evidence is currently insufficient to determine the role of this variant in disease. Therefore, it has been classified as a Variant of Uncertain Significance.